The following is an entry in ClinVar:

ClinVar aggregate classification (germline): Uncertain significance (1 of 4 stars; one submission).

Conditions:
Congenital myasthenic syndrome 8. Also called: Myasthenic syndrome, congenital, 8, with pre- and postsynaptic defects; MYASTHENIC SYNDROME, CONGENITAL, DUE TO AGRIN DEFICIENCY. Identifiers: Orphanet 590, MedGen C3808739, MONDO:0014052, OMIM 615120.

gnomAD v4.1: 7 of 1,488,308 alleles (0.00047%); highest among the groups gnomAD compares: Non-Finnish European, 0.00053%; no homozygotes.

Submission:

Labcorp Genetics (formerly Invitae), Labcorp
Classification: Uncertain significance for Congenital myasthenic syndrome 8. Last evaluated: 2022-06-13. Review status: criteria provided, single submitter. Criteria: Invitae Variant Classification Sherloc (09022015). Collection method: clinical testing. Allele origin: germline.
Comment: This sequence change replaces glycine, which is neutral and non-polar, with arginine, which is basic and polar, at codon 265 of the AGRN protein (p.Gly265Arg). In summary, the available evidence is currently insufficient to determine the role of this variant in disease. Therefore, it has been classified as a Variant of Uncertain Significance. Algorithms developed to predict the effect of sequence changes on RNA splicing suggest that this variant may create or strengthen a splice site. Algorithms developed to predict the effect of missense changes on protein structure and function are either unavailable or do not agree on the potential impact of this missense change (SIFT: "Deleterious"; PolyPhen-2: "Probably Damaging"; Align-GVGD: "Class C0"). This variant has not been reported in the literature in individuals affected with AGRN-related conditions. This variant is not present in population databases (gnomAD no frequency).

NM_198576.4(AGRN):c.793G>A (p.Gly265Arg)

Gene: AGRN (agrin; plus strand). Cytogenetic location: 1p36.33.
Variant type: single nucleotide variant.
Coding change: c.793G>A on transcript NM_198576.4 (MANE Select); coding-DNA position 793, G replaced by A.
Protein change: p.Gly265Arg; replaces glycine 265 with arginine.
Molecular consequence: missense variant.
Genome position (GRCh38, 1-based): chr1:1,041,238, G>A. VCF-style: chr1-1041238-G-A. GRCh37 (hg19) VCF-style: chr1-976618-G-A.
Other names: c.793G>A, p.Gly265Arg (NM_001305275.2); c.478G>A, p.Gly160Arg (NM_001364727.2); short protein forms G160R, G265R.
Identifiers: ClinVar variation 1399713 (VCV001399713.8), dbSNP rs1180169378, ClinGen allele CA337823906.